The following is an entry in ClinVar:

ClinVar aggregate classification (germline): Conflicting classifications of pathogenicity. Review status: criteria provided, conflicting classifications (1 of 4 stars). 16 submissions from 15 submitters: Pathogenic (1); Benign (9). 6 of the submissions do not count toward it. Last evaluated 2026-02-04.

Conditions:
Retinal dystrophy. Also called: Inherited retinal dystrophy. Identifiers: Orphanet 71862, MedGen C0854723, MeSH D058499, MONDO:0019118, HP:0000556.
Bardet-Biedl syndrome 2 (BBS2). Identifiers: Orphanet 110, MedGen C2936863, MONDO:0014432, OMIM 615981.
Bardet-Biedl syndrome (BBS). Identifiers: Orphanet 110, MedGen C0752166, MONDO:0015229.
Retinitis pigmentosa 74 (RP74). Identifiers: Orphanet 791, MedGen C4225281, MONDO:0014692, OMIM 616562.

Allele frequency attached by ClinVar (database versions not stated): gnomAD exomes 0.99321 and 0.99410; ExAC 0.99377; gnomAD 0.99517 and 0.99534; TOPMed 0.99547; 1000 Genomes Project 0.99641; 1000 Genomes Project 30x 0.99703.
gnomAD v4.1: 1,603,599 of 1,614,200 alleles (99%); highest among the groups gnomAD compares: East Asian, 100%; 796,560 homozygotes.

Submissions (16):

Labcorp Genetics (formerly Invitae), Labcorp
Classification: Benign for Bardet-Biedl syndrome. Last evaluated: 2026-02-04. Review status: criteria provided, single submitter. Criteria: Invitae Variant Classification Sherloc (09022015). Collection method: clinical testing. Allele origin: germline.

Blueprint Genetics
Classification: Benign. Last evaluated: 2024-11-28. Review status: criteria provided, single submitter. Criteria: ACMG Guidelines, 2015. Collection method: clinical testing. Allele origin: germline.

Dept Of Ophthalmology, Nagoya University
Classification: Benign for Retinal dystrophy. Last evaluated: 2023-10-01. Review status: criteria provided, single submitter. Criteria: Submitter's publication. Collection method: research. Allele origin: germline. Affected: yes.

Genome-Nilou Lab
Classification: Benign for Bardet-Biedl syndrome 2. Last evaluated: 2021-07-14. Review status: criteria provided, single submitter. Criteria: ACMG Guidelines, 2015. Collection method: clinical testing. Allele origin: germline. Affected: no.

Genome-Nilou Lab
Classification: Benign for Retinitis pigmentosa 74. Last evaluated: 2021-07-14. Review status: criteria provided, single submitter. Criteria: ACMG Guidelines, 2015. Collection method: clinical testing. Allele origin: germline. Affected: no.

Genetics Laboratory, Department of Biology, Semnan University
Classification: Pathogenic for Bardet-Biedl syndrome 2. Last evaluated: 2019-09-25. Review status: criteria provided, single submitter. Criteria: ACMG Guidelines, 2015. Collection method: research. Allele origin: germline. Inheritance: Autosomal recessive inheritance. Affected: yes. Observed: 1 variant allele, 1 homozygote.
Comment: The identified variant leads to the substitution of Serine 70 with Asparagine (S70N) in the BBS2 protein. Hence, this substitution could alter the amino acid sequence and could leads to a decreased function of mutated protein.

Mendelics
Classification: Benign for Bardet-Biedl syndrome 2. Last evaluated: 2019-05-28. Review status: criteria provided, single submitter. Criteria: Mendelics Assertion Criteria 2017. Collection method: clinical testing. Allele origin: unknown.

Athena Diagnostics
Classification: Benign. Last evaluated: 2017-09-26. Review status: criteria provided, single submitter. Criteria: Athena Diagnostics Criteria. Collection method: clinical testing. Allele origin: germline.

Eurofins Ntd Llc (ga)
Classification: Benign. Last evaluated: 2016-11-15. Review status: criteria provided, single submitter. Criteria: EGL Classification Definitions 2015. Collection method: clinical testing. Allele origin: germline. Observed: 6 variant alleles, 6 homozygotes.

Breakthrough Genomics
Classification: Benign. Review status: criteria provided, single submitter. Criteria: ACMG Guidelines, 2015. Collection method: not provided. Allele origin: germline. Inheritance: Autosomal recessive inheritance. Affected: yes.

Natera, Inc.
Classification: Benign for Bardet-Biedl syndrome type 2. Last evaluated: 2019-11-16. Review status: no assertion criteria provided. Collection method: clinical testing. Allele origin: germline. Not counted in ClinVar's aggregate classification.

Institute of Human Genetics, Univ. Regensburg, Univ. Regensburg
Classification: Likely pathogenic for Retinal dystrophy. Last evaluated: 2013-01-01. Review status: no assertion criteria provided. Criteria: ACMG Guidelines, 2015. Collection method: clinical testing. Allele origin: germline. Affected: yes. Not counted in ClinVar's aggregate classification.

Clinical Genetics DNA and cytogenetics Diagnostics Lab, Erasmus MC, Erasmus Medical Center
Classification: Benign. Review status: no assertion criteria provided. Collection method: clinical testing. Allele origin: germline. Affected: yes. Study: VKGL Data-share Consensus. Not counted in ClinVar's aggregate classification.

Diagnostic Laboratory, Department of Genetics, University Medical Center Groningen
Classification: Benign. Review status: no assertion criteria provided. Collection method: clinical testing. Allele origin: germline. Affected: yes. Study: VKGL Data-share Consensus. Not counted in ClinVar's aggregate classification.

Genome Diagnostics Laboratory, University Medical Center Utrecht
Classification: Benign. Review status: no assertion criteria provided. Collection method: clinical testing. Allele origin: germline. Affected: yes. Study: VKGL Data-share Consensus. Not counted in ClinVar's aggregate classification.

Joint Genome Diagnostic Labs from Nijmegen and Maastricht, Radboudumc and MUMC+
Classification: Benign. Review status: no assertion criteria provided. Collection method: clinical testing. Allele origin: germline. Affected: yes. Study: VKGL Data-share Consensus. Not counted in ClinVar's aggregate classification.

Literature cited by the submitters: DOI 10.1038/s41439-024-00269-w (cited by Genetics Laboratory, Department of Biology, Semnan University).

NM_031885.5(BBS2):c.209G>A (p.Ser70Asn)

Gene: BBS2 (Bardet-Biedl syndrome 2; minus strand). Cytogenetic location: 16q13.
Variant type: single nucleotide variant.
Coding change: c.209G>A on transcript NM_031885.5 (MANE Select); coding-DNA position 209, G replaced by A.
Protein change: p.Ser70Asn; replaces serine 70 with asparagine.
Molecular consequence: missense variant. On other transcripts: non-coding transcript variant (5).
Genome position (GRCh38, 1-based): chr16:56,514,589, C>T on the plus strand (G>A on the coding strand, the complement: BBS2 is on the minus strand). VCF-style: chr16-56514589-C-T. GRCh37 (hg19) VCF-style: chr16-56548501-C-T.
Other names: c.209G>A, p.Ser70Asn (NM_001377456.1); short protein forms S70N.
Identifiers: ClinVar variation 285261 (VCV000285261.33), dbSNP rs4784677, ClinGen allele CA8066097.